The following is an entry in ClinVar:

NM_000363.5(TNNI3):c.310G>A (p.Val104Met)

Gene: TNNI3 (troponin I3, cardiac type; minus strand). Cytogenetic location: 19q13.42.
Variant type: single nucleotide variant.
Coding change: c.310G>A on transcript NM_000363.5 (MANE Select); coding-DNA position 310, G replaced by A.
Protein change: p.Val104Met; replaces valine 104 with methionine.
Molecular consequence: missense variant.
Genome position (GRCh38, 1-based): chr19:55,154,803, C>T on the plus strand (G>A on the coding strand, the complement: TNNI3 is on the minus strand). VCF-style: chr19-55154803-C-T. GRCh37 (hg19) VCF-style: chr19-55666171-C-T.
Other names: short protein forms V104M.
Identifiers: ClinVar variation 1348409 (VCV001348409.6), dbSNP rs2147283722, ClinGen allele CA407441124.

ClinVar aggregate classification (germline): Uncertain significance (1 of 4 stars; one submission).

Conditions:
Hypertrophic cardiomyopathy. Also called: HYPERTROPHIC MYOCARDIOPATHY. Identifiers: Orphanet 217569, MedGen C0007194, MeSH D002312, MONDO:0005045, HP:0001639.

Submission:

Labcorp Genetics (formerly Invitae), Labcorp
Classification: Uncertain significance for Hypertrophic cardiomyopathy. Last evaluated: 2022-05-21. Review status: criteria provided, single submitter. Criteria: Invitae Variant Classification Sherloc (09022015). Collection method: clinical testing. Allele origin: germline.
Comment: In summary, the available evidence is currently insufficient to determine the role of this variant in disease. Therefore, it has been classified as a Variant of Uncertain Significance. Algorithms developed to predict the effect of missense changes on protein structure and function are either unavailable or do not agree on the potential impact of this missense change (SIFT: "Deleterious"; PolyPhen-2: "Possibly Damaging"; Align-GVGD: "Class C0"). This variant has not been reported in the literature in individuals affected with TNNI3-related conditions. This variant is not present in population databases (gnomAD no frequency). This sequence change replaces valine, which is neutral and non-polar, with methionine, which is neutral and non-polar, at codon 104 of the TNNI3 protein (p.Val104Met).